The following is an entry in ClinVar:

ClinVar aggregate classification (germline): Conflicting classifications of pathogenicity. Review status: criteria provided, conflicting classifications (1 of 4 stars). 3 submissions from 3 submitters: Likely pathogenic (2); Uncertain significance (1). Last evaluated 2025-12-03.

Conditions:
LZTR1-related schwannomatosis. Also called: Schwannomatosis-2, susceptibility to; Schwannomatosis 2. Identifiers: Orphanet 93921, MedGen C3810283, MONDO:0014299, OMIM 615670.
Cardiovascular phenotype. Identifiers: MedGen CN230736.
Hereditary cancer-predisposing syndrome. Also called: Neoplastic Syndromes, Hereditary; Hereditary Cancer Syndrome; Tumor predisposition; Hereditary neoplastic syndrome. Identifiers: Orphanet 140162, MedGen C0027672, MeSH D009386, MONDO:0015356.

Allele frequency attached by ClinVar (database versions not stated): gnomAD exomes below 0.00001.
gnomAD v4.1: 6 of 1,611,576 alleles (0.00037%); highest among the groups gnomAD compares: East Asian, 0.013%; no homozygotes.

Submissions (3):

Labcorp Genetics (formerly Invitae), Labcorp
Classification: Likely pathogenic. Last evaluated: 2025-12-03. Review status: criteria provided, single submitter. Criteria: Invitae Variant Classification Sherloc (09022015). Collection method: clinical testing. Allele origin: germline.
Comment: This sequence change affects a donor splice site in intron 18 of the LZTR1 gene. It is expected to disrupt RNA splicing. Variants that disrupt the donor or acceptor splice site typically lead to a loss of protein function (PMID: 16199547), and loss-of-function variants in LZTR1 are known to be pathogenic (PMID: 24362817, 25335493, 25480913, 25795793, 29469822, 30368668, 30442762, 30442766, 30481304, 30859559). This variant is not present in population databases (gnomAD no frequency). This variant has not been reported in the literature in individuals affected with LZTR1-related conditions. ClinVar contains an entry for this variant (Variation ID: 2140164). In summary, the currently available evidence indicates that the variant is pathogenic, but additional data are needed to prove that conclusively. Therefore, this variant has been classified as Likely Pathogenic.

Ambry Genetics
Classification: Uncertain significance for Cardiovascular phenotype; Hereditary cancer-predisposing syndrome. Last evaluated: 2025-08-08. Review status: criteria provided, single submitter. Criteria: Ambry Variant Classification Scheme 2023. Collection method: clinical testing. Allele origin: germline.
Comment: The c.2219+2C>A intronic variant results from a C to A substitution two nucleotides after coding exon 18 in the LZTR1 gene. This nucleotide position is not well conserved in available vertebrate species. This alteration is located within a U12-type intron and in silico tools are not reliable predictors of splice sites in this type of intron. In addition, direct RNA evidence is insufficient at this time (Ambry internal data). Based on the available evidence, the clinical significance of this variant remains unclear.

Institute for Genomic Medicine (IGM) Clinical Laboratory, Nationwide Children's Hospital
Classification: Likely pathogenic for LZTR1-related schwannomatosis. Last evaluated: 2025-06-23. Review status: criteria provided, single submitter. Criteria: ACMG Guidelines, 2015. Collection method: clinical testing. Allele origin: germline.
Comment: This variant is predicted to result in loss of function through nonsense-mediated decay of the encoded transcript or premature truncation of the encoded protein in a gene in which loss of function is a known mechanism of disease (ACMG/AMP: PVS1; PMIDs:24362817, 25335493). This variant is absent from or present at an exceedingly low frequency in gnomAD, a large-scale control population database (ACMG/AMP: PM2).

Literature cited by the submitters: PubMed 16199547 (cited by Labcorp Genetics (formerly Invitae), Labcorp); PubMed 24362817 (cited by Labcorp Genetics (formerly Invitae), Labcorp and Institute for Genomic Medicine (IGM) Clinical Laboratory, Nationwide Children's Hospital); PubMed 25335493 (cited by Labcorp Genetics (formerly Invitae), Labcorp and Institute for Genomic Medicine (IGM) Clinical Laboratory, Nationwide Children's Hospital); PubMed 25480913 (cited by Labcorp Genetics (formerly Invitae), Labcorp); PubMed 25795793 (cited by Labcorp Genetics (formerly Invitae), Labcorp); PubMed 29469822 (cited by Labcorp Genetics (formerly Invitae), Labcorp); PubMed 30368668 (cited by Labcorp Genetics (formerly Invitae), Labcorp); PubMed 30442762 (cited by Labcorp Genetics (formerly Invitae), Labcorp); PubMed 30442766 (cited by Labcorp Genetics (formerly Invitae), Labcorp); PubMed 30481304 (cited by Labcorp Genetics (formerly Invitae), Labcorp); PubMed 30859559 (cited by Labcorp Genetics (formerly Invitae), Labcorp).

NM_006767.4(LZTR1):c.2219+2C>A

Gene: LZTR1 (leucine zipper like post translational regulator 1; plus strand). Cytogenetic location: 22q11.21.
Variant type: single nucleotide variant.
Coding change: c.2219+2C>A on transcript NM_006767.4 (MANE Select); the canonical splice donor site of the intron after coding-DNA position 2219, C replaced by A.
Molecular consequence: splice donor variant.
Genome position (GRCh38, 1-based): chr22:20,996,114, C>A. VCF-style: chr22-20996114-C-A. GRCh37 (hg19) VCF-style: chr22-21350403-C-A.
Identifiers: ClinVar variation 2140164 (VCV002140164.7), dbSNP rs972565181, ClinGen allele CA410780067.